The following is an entry in ClinVar:

ClinVar aggregate classification (germline): Likely benign (1 of 4 stars; one submission).

Submission:

CeGaT Center for Human Genetics Tuebingen
Classification: Likely benign. Last evaluated: 2026-03-01. Review status: criteria provided, single submitter. Criteria: CeGaT Center For Human Genetics Tuebingen Variant Classification Criteria Version 2. Collection method: clinical testing. Allele origin: germline. Affected: yes. Observed: 1 variant allele.
Comment: SREBF1: PM2:Supporting, BP4, BP7

NM_004176.5(SREBF1):c.1731C>A (p.Gly577=)

Gene: SREBF1 (sterol regulatory element binding transcription factor 1; minus strand). Cytogenetic location: 17p11.2.
Variant type: single nucleotide variant.
Coding change: c.1731C>A on transcript NM_004176.5 (MANE Select); coding-DNA position 1731, C replaced by A.
Protein change: p.Gly577=; no amino-acid change (glycine 577 retained).
Molecular consequence: synonymous variant. On other transcripts: non-coding transcript variant (4), intron variant (1).
Genome position (GRCh38, 1-based): chr17:17,817,012, G>T on the plus strand (C>A on the coding strand, the complement: SREBF1 is on the minus strand). VCF-style: chr17-17817012-G-T. GRCh37 (hg19) VCF-style: chr17-17720326-G-T.
Other names: c.1821C>A, p.Gly607= (NM_001005291.3); c.1659C>A, p.Gly553= (NM_001321096.3); c.1731C>A, p.Gly577= (NM_001388385.1, NM_001388386.1); c.1770C>A, p.Gly590= (NM_001388387.1); c.1686C>A, p.Gly562= (NM_001388388.1); c.1725C>A, p.Gly575= (NM_001388389.1); c.1713C>A, p.Gly571= (NM_001388390.1); c.1704C>A, p.Gly568= (NM_001388391.1); and 3 more.
Identifiers: ClinVar variation 4822702 (VCV004822702.4).
Genomic context (GRCh38, chr17:17,817,012, plus strand): 5'-CCTTACCCGGGCCAGGTCCAGGTCAGCCTGCTTGCGATGCCTCCAGAAGTACACGGCGGG[G>T]CCTGAGTGGGGCCGTGTGACTGGCTCACCGTAGACAAAGAGAAGCACCAAGGAGACGAGC-3'
Protein context (NP_004167.3, residues 567-587): YGEPVTRPHS[Gly577=]PAVYFWRHRK